The following is an entry in ClinVar:

ClinVar aggregate classification (germline): Pathogenic (1 of 4 stars; one submission).

Submission:

Labcorp Genetics (formerly Invitae), Labcorp
Classification: Pathogenic. Last evaluated: 2020-03-14. Review status: criteria provided, single submitter. Criteria: Invitae Variant Classification Sherloc (09022015). Collection method: clinical testing. Allele origin: germline.
Comment: This variant disrupts the C-terminus of the FH protein. Other variant(s) that disrupt this region (p.Trp500*) have been determined to be pathogenic (PMID: 9635293,21398687). This suggests that variants that disrupt this region of the protein are likely to be causative of disease. This sequence change results in a premature translational stop signal in the FH gene (p.Ala486Valfs*16). While this is not anticipated to result in nonsense mediated decay, it is expected to disrupt the last 25 amino acids of the FH protein. This variant is not present in population databases (ExAC no frequency). This variant has not been reported in the literature in individuals with FH-related conditions. For these reasons, this variant has been classified as Pathogenic.

Literature cited by the submitters: PubMed 9635293; PubMed 21398687.

NM_000143.4(FH):c.1457del (p.Ala486fs)

Gene: FH (fumarate hydratase; minus strand). Cytogenetic location: 1q43.
Variant type: Deletion.
Coding change: c.1457del on transcript NM_000143.4 (MANE Select); coding-DNA position 1457, one base deleted (C; older notation c.1457delC).
Protein change: p.Ala486fs; shifts the reading frame from alanine 486.
Molecular consequence: frameshift variant.
Genome position (GRCh38, 1-based): chr1:241,497,904, G deleted on the plus strand (C on the coding strand, the reverse complement: FH is on the minus strand). VCF-style (leftmost placement, unchanged base first): chr1-241497903-AG-A. GRCh37 (hg19) VCF-style: chr1-241661203-AG-A.
Other names: short protein forms A486fs.
Identifiers: ClinVar variation 1076097 (VCV001076097.9), dbSNP rs2147911268, ClinGen allele CA915940280.
Genomic context (GRCh38, chr1:241,497,903, plus strand): 5'-CATGTCCTTAGGTTTTACCCATTCGTCAAACTGCTCTGCTGTGAGATAGCCAAGTTCGAT[AG>A]CAGTTTCCTTTAAGGTTGATCCATTTTTGTGTGCTGTCTTAGCAATCTTTGCTGCCTTGT-3'